The following is an entry in ClinVar:

NM_203283.5(RBPJ):c.-47+1dup

Gene: RBPJ (recombination signal binding protein for immunoglobulin kappa J region; plus strand). Cytogenetic location: 4p15.2.
Variant type: Duplication.
Coding change: c.-47+1dup on transcript NM_203283.5; the canonical splice donor site of the intron after 47 bases upstream of the start codon, one base duplicated (G; older notation c.-47+1dupG).
Molecular consequence: splice donor variant. On other transcripts: intron variant (2).
Genome position (GRCh38, 1-based): chr4:26,319,889, G duplicated; the last of 2 consecutive G bases (chr4:26,319,888-26,319,889); duplicating either gives the same sequence. VCF-style (leftmost placement, unchanged base first): chr4-26319887-A-AG. GRCh37 (hg19) VCF-style: chr4-26321509-A-AG.
Other names: c.-166-42557dup (NM_001374401.1); c.-283+1dup (NM_001379407.1); c.-58+1dup (NM_005349.4, NM_001379408.1); c.-167+1dup (NM_001379406.1); c.14+1dup (NM_001379409.1); c.-58+119dup (NM_001374400.1).
Identifiers: ClinVar variation 3350332 (VCV003350332.1).

ClinVar aggregate classification (germline): Uncertain significance (0 of 4 stars; one submission).

Conditions:
RBPJ-related disorder. Also called: RBPJ-related condition.

Submission:

PreventionGenetics, part of Exact Sciences
Classification: Uncertain significance for RBPJ-related condition. Last evaluated: 2024-03-30. Review status: no assertion criteria provided. Collection method: clinical testing. Allele origin: germline.
Comment: The RBPJ c.14+1dupG variant is predicted to result in a duplication affecting a canonical splice site. However, this variant affects an alternatively spliced exon and in the primary transcript (NM_005349.3) this exon is part of the 5' untranslated region (c.-58+1dup). To our knowledge, this variant has not been reported in the literature. This variant is reported in 0.10% of alleles in individuals of Latino descent in gnomAD. At this time, the clinical significance of this variant is uncertain due to the absence of conclusive functional and genetic evidence.